The following is an entry in ClinVar:

NM_002529.4(NTRK1):c.22G>A (p.Gly8Arg)

Genes: NTRK1 (neurotrophic receptor tyrosine kinase 1; plus strand), LOC129931648 (ATAC-STARR-seq lymphoblastoid silent region 1440; plus strand). Cytogenetic location: 1q23.1.
Variant type: single nucleotide variant.
Coding change: c.22G>A on transcript NM_002529.4 (MANE Select); coding-DNA position 22, G replaced by A.
Protein change: p.Gly8Arg; replaces glycine 8 with arginine.
Molecular consequence: missense variant. On other transcripts: intron variant (1).
Genome position (GRCh38, 1-based): chr1:156,860,956, G>A. VCF-style: chr1-156860956-G-A. GRCh37 (hg19) VCF-style: chr1-156830748-G-A.
Other names: c.22G>A, p.Gly8Arg (NM_001012331.2); c.123-3398G>A (NM_001007792.1); short protein forms G8R.
Identifiers: ClinVar variation 965318 (VCV000965318.10), dbSNP rs894958112, ClinGen allele CA342928936.

ClinVar aggregate classification (germline): Uncertain significance. Review status: criteria provided, multiple submitters, no conflicts (2 of 4 stars). 3 submissions from 3 submitters: Uncertain significance (2). 1 of the submissions does not count toward it. Last evaluated 2024-09-12.

Conditions:
Hereditary insensitivity to pain with anhidrosis (CIPA). Also called: HSAN Type IV; hereditary sensory and autonomic neuropathy type 4; FAMILIAL DYSAUTONOMIA, TYPE II; NEUROPATHY, CONGENITAL SENSORY, WITH ANHIDROSIS; INSENSITIVITY TO PAIN, CONGENITAL, WITH ANHIDROSIS; NTRK1 Congenital Insensitivity to Pain with Anhidrosis. Identifiers: Orphanet 642, MedGen C0020074, MONDO:0009746, OMIM 256800.

gnomAD v4.1: 4 of 1,502,802 alleles (0.00027%); highest among the groups gnomAD compares: African/African-American, 0.0014%; no homozygotes.

Submissions (3):

Blueprint Genetics
Classification: Uncertain significance. Last evaluated: 2024-09-12. Review status: criteria provided, single submitter. Criteria: ACMG Guidelines, 2015. Collection method: clinical testing. Allele origin: germline.

Labcorp Genetics (formerly Invitae), Labcorp
Classification: Uncertain significance for Hereditary insensitivity to pain with anhidrosis. Last evaluated: 2021-09-01. Review status: criteria provided, single submitter. Criteria: Invitae Variant Classification Sherloc (09022015). Collection method: clinical testing. Allele origin: germline.
Comment: This sequence change replaces glycine with arginine at codon 8 of the NTRK1 protein (p.Gly8Arg). The glycine residue is moderately conserved and there is a moderate physicochemical difference between glycine and arginine. The frequency data for this variant in the population databases is considered unreliable, as metrics indicate insufficient coverage at this position in the ExAC database. This variant has not been reported in the literature in individuals affected with NTRK1-related conditions. Algorithms developed to predict the effect of missense changes on protein structure and function output the following: SIFT: "Tolerated"; PolyPhen-2: "Possibly Damaging"; Align-GVGD: "Class C0". The arginine amino acid residue is found in multiple mammalian species, which suggests that this missense change does not adversely affect protein function. In summary, the available evidence is currently insufficient to determine the role of this variant in disease. Therefore, it has been classified as a Variant of Uncertain Significance.

Natera, Inc.
Classification: Uncertain significance for Hereditary insensitivity to pain with anhidrosis. Last evaluated: 2021-10-11. Review status: no assertion criteria provided. Collection method: clinical testing. Allele origin: germline. Not counted in ClinVar's aggregate classification.